The following is an entry in ClinVar:

ClinVar aggregate classification (germline): Uncertain significance (1 of 4 stars; one submission).

Conditions:
Alstrom syndrome (ALMS). Identifiers: Orphanet 64, MedGen C0268425, MONDO:0008763, OMIM 203800.

Allele frequency attached by ClinVar (database versions not stated): gnomAD exomes below 0.00001; TOPMed below 0.00001; ExAC 0.00001; gnomAD 0.00001.
gnomAD v4.1: 5 of 1,613,666 alleles (0.00031%); highest among the groups gnomAD compares: Admixed American, 0.0017%; no homozygotes.

Submission:

Labcorp Genetics (formerly Invitae), Labcorp
Classification: Uncertain significance for Alstrom syndrome. Last evaluated: 2022-02-17. Review status: criteria provided, single submitter. Criteria: Invitae Variant Classification Sherloc (09022015). Collection method: clinical testing. Allele origin: germline.
Comment: This sequence change replaces proline, which is neutral and non-polar, with leucine, which is neutral and non-polar, at codon 2107 of the ALMS1 protein (p.Pro2107Leu). This variant is not present in population databases (gnomAD no frequency). This variant has not been reported in the literature in individuals affected with ALMS1-related conditions. Algorithms developed to predict the effect of missense changes on protein structure and function output the following: SIFT: "Not Available"; PolyPhen-2: "Not Available"; Align-GVGD: "Not Available". The leucine amino acid residue is found in multiple mammalian species, which suggests that this missense change does not adversely affect protein function. Algorithms developed to predict the effect of sequence changes on RNA splicing suggest that this variant is not likely to affect RNA splicing. In summary, the available evidence is currently insufficient to determine the role of this variant in disease. Therefore, it has been classified as a Variant of Uncertain Significance.

NM_001378454.1(ALMS1):c.6317C>T (p.Pro2106Leu)

Gene: ALMS1 (ALMS1 centrosome and basal body associated protein; plus strand). Cytogenetic location: 2p13.1.
Variant type: single nucleotide variant.
Coding change: c.6317C>T on transcript NM_001378454.1 (MANE Select); coding-DNA position 6317, C replaced by T.
Protein change: p.Pro2106Leu; replaces proline 2106 with leucine.
Molecular consequence: missense variant.
Genome position (GRCh38, 1-based): chr2:73,452,844, C>T. VCF-style: chr2-73452844-C-T. GRCh37 (hg19) VCF-style: chr2-73679971-C-T.
Other names: c.6320C>T, p.Pro2107Leu (NM_015120.4); short protein forms P2106L, P2107L.
Identifiers: ClinVar variation 2425194 (VCV002425194.2), dbSNP rs765640576, ClinGen allele CA1714048.